The following is an entry in ClinVar:

ClinVar aggregate classification (germline): Uncertain significance (1 of 4 stars; one submission).

Submission:

Labcorp Genetics (formerly Invitae), Labcorp
Classification: Uncertain significance. Last evaluated: 2022-08-27. Review status: criteria provided, single submitter. Criteria: Invitae Variant Classification Sherloc (09022015). Collection method: clinical testing. Allele origin: unknown.
Comment: In summary, the available evidence is currently insufficient to determine the role of this variant in disease. Therefore, it has been classified as a Variant of Uncertain Significance. Experimental studies and prediction algorithms are not available or were not evaluated, and the functional significance of this variant is currently unknown. This variant has not been reported in the literature in individuals affected with CD151-related conditions. A copy number gain of the genomic region encompassing the full coding sequence of the CD151 gene has been identified. The boundaries of this event are unknown as they extend beyond the assayed region for this gene and therefore may encompass additional genes. As the precise location of this event is unknown, it may be in tandem or it may be located elsewhere in the genome.

NC_000011.9:g.(?_836070)_(838192_?)dup

Gene: CD151 (CD151 molecule (Raph blood group); plus strand). Cytogenetic location: 11p15.5.
Variant type: Duplication.
Identifiers: ClinVar variation 3244760 (VCV003244760.1).